The following is an entry in ClinVar:

NM_000787.4(DBH):c.467C>T (p.Pro156Leu)

Gene: DBH (dopamine beta-hydroxylase; plus strand). Cytogenetic location: 9q34.2.
Variant type: single nucleotide variant.
Coding change: c.467C>T on transcript NM_000787.4 (MANE Select); coding-DNA position 467, C replaced by T.
Protein change: p.Pro156Leu; replaces proline 156 with leucine.
Molecular consequence: missense variant.
Genome position (GRCh38, 1-based): chr9:133,639,973, C>T. VCF-style: chr9-133639973-C-T. GRCh37 (hg19) VCF-style: chr9-136505095-C-T.
Other names: short protein forms P156L.
Identifiers: ClinVar variation 2603133 (VCV002603133.3), dbSNP rs773297382, ClinGen allele CA5313063.

ClinVar aggregate classification (germline): Uncertain significance. Review status: criteria provided, multiple submitters, no conflicts (2 of 4 stars). 2 submissions from 2 submitters: Uncertain significance (2). Last evaluated 2025-03-26.

Conditions:
Inborn genetic diseases. Identifiers: MedGen C0950123, MeSH D030342.
DBH-related disorder. Also called: DBH-related condition.

Allele frequency attached by ClinVar (database versions not stated): TOPMed 0.00004; ExAC 0.00001; gnomAD 0.00002.

Submissions (2):

PreventionGenetics, part of Exact Sciences
Classification: Uncertain significance for DBH-related condition. Last evaluated: 2025-03-26. Review status: criteria provided, single submitter. Criteria: ACMG Guidelines, 2015. Collection method: clinical testing. Allele origin: germline.
Comment: The DBH c.467C>T variant is predicted to result in the amino acid substitution p.Pro156Leu. To our knowledge, this variant has not been reported in the literature. This variant is reported in 0.0040% of alleles in individuals of African descent in gnomAD. At this time, the clinical significance of this variant is uncertain due to the absence of conclusive functional and genetic evidence.

Ambry Genetics
Classification: Uncertain significance for Inborn genetic diseases. Last evaluated: 2023-06-23. Review status: criteria provided, single submitter. Criteria: Ambry Variant Classification Scheme 2023. Collection method: clinical testing. Allele origin: germline.